The following is an entry in ClinVar:

NM_001267550.2(TTN):c.5992C>T (p.Arg1998Cys)

Gene: TTN (titin; minus strand). Cytogenetic location: 2q31.2.
Variant type: single nucleotide variant.
Coding change: c.5992C>T on transcript NM_001267550.2 (MANE Select); coding-DNA position 5992, C replaced by T.
Protein change: p.Arg1998Cys; replaces arginine 1998 with cysteine.
Molecular consequence: missense variant.
Genome position (GRCh38, 1-based): chr2:178,775,872, G>A on the plus strand (C>T on the coding strand, the complement: TTN is on the minus strand). VCF-style: chr2-178775872-G-A. GRCh37 (hg19) VCF-style: chr2-179640599-G-A.
Other names: c.5992C>T, p.Arg1998Cys (NM_133378.4, NM_001256850.1, NM_133379.5); c.5854C>T, p.Arg1952Cys (NM_003319.4, NM_133432.3, NM_133437.4); short protein forms R1998C, R1952C.
Identifiers: ClinVar variation 166314 (VCV000166314.6), dbSNP rs727503692, ClinGen allele CA179297.

ClinVar aggregate classification (germline): Uncertain significance. Review status: criteria provided, multiple submitters, no conflicts (2 of 4 stars). 2 submissions from 2 submitters: Uncertain significance (2). Last evaluated 2024-06-26.

Allele frequency attached by ClinVar (database versions not stated): TOPMed 0.00001.
gnomAD v4.1: 9 of 1,614,082 alleles (0.00056%); highest among the groups gnomAD compares: Admixed American, 0.0017%; no homozygotes.

Submissions (2):

Mayo Clinic Laboratories, Mayo Clinic
Classification: Uncertain significance. Last evaluated: 2024-06-26. Review status: criteria provided, single submitter. Criteria: ACMG Guidelines, 2015. Collection method: clinical testing. Allele origin: germline. Observed: 1 variant allele.

Laboratory for Molecular Medicine, Mass General Brigham Personalized Medicine
Classification: Uncertain significance. Last evaluated: 2015-11-25. Review status: criteria provided, single submitter. Criteria: LMM Criteria. Collection method: clinical testing. Allele origin: germline. Observed: 1 variant allele.
Comment: proposed classification - variant undergoing re-assessment, contact laboratory